The following is an entry in ClinVar:

NM_001083962.2(TCF4):c.1069+2T>C

Gene: TCF4 (transcription factor 4; minus strand). Cytogenetic location: 18q21.2.
Variant type: single nucleotide variant.
Coding change: c.1069+2T>C on transcript NM_001083962.2 (MANE Select); the canonical splice donor site of the intron after coding-DNA position 1069, T replaced by C.
Molecular consequence: splice donor variant. On other transcripts: synonymous variant (1).
Genome position (GRCh38, 1-based): chr18:55,259,947, A>G on the plus strand (T>C on the coding strand, the complement: TCF4 is on the minus strand). VCF-style: chr18-55259947-A-G. GRCh37 (hg19) VCF-style: chr18-52927178-A-G.
Other names: c.999T>C, p.Gly333= (NM_001369586.1); c.1375+2T>C (NM_001243226.3); c.994+2T>C (NM_001369584.1, NM_001369576.1, NM_001369585.1 and 3 more transcripts); c.997+2T>C (NM_001369577.1, NM_001369582.1, NM_001243227.2 and 8 more transcripts); c.1069+2T>C (NM_001369571.1, NM_001369567.1, NM_001369572.1 and 4 more transcripts); c.1087+2T>C (NM_001243228.2); c.1063+2T>C (NM_001243230.2); c.1066+2T>C (NM_001369569.1, NM_001369573.1, NM_001369570.1); and 5 more.
Identifiers: ClinVar variation 5016897 (VCV005016897.1).
Genomic context (GRCh38, chr18:55,259,947, plus strand): 5'-TACAAGGGGGGAATCATTCTTATAAACTGTTATATGATGAAATGGGATTTGAAATACACT[A>G]CCTGAGAGAGATGGAGGAGAGCCAACAGGAGTTGAAGGGTTTGATGAAAAGCTGTTGTTA-3'

ClinVar aggregate classification (germline): Pathogenic (1 of 4 stars; one submission).

Submission:

GeneDx
Classification: Pathogenic. Last evaluated: 2026-03-23. Review status: criteria provided, single submitter. Criteria: GeneDx Variant Classification Process June 2021. Collection method: clinical testing. Allele origin: germline.
Comment: Identified in a patient with Pitt-Hopkins syndrome with methylation analysis consistent with a strong TCF4-related epigenetic signature (PMID: 38571311); Canonical splice site variant predicted to result in a null allele in a gene for which loss of function is a known mechanism of disease; Not observed at significant frequency in large population cohorts (gnomAD); This variant is associated with the following publications: (PMID: 38571311)